The following is an entry in ClinVar:

ClinVar aggregate classification (germline): Likely benign (1 of 4 stars; one submission).

Conditions:
NPHP3-related disorder. Also called: NPHP3-related disorders; NPHP3-related condition. Identifiers: MedGen CN379163.

Submission:

PreventionGenetics, part of Exact Sciences
Classification: Likely benign for NPHP3-related condition. Last evaluated: 2025-11-06. Review status: criteria provided, single submitter. Criteria: ACMG Guidelines, 2015. Collection method: clinical testing. Allele origin: germline.
Comment: This variant is classified as likely benign based on ACMG/AMP sequence variant interpretation guidelines (Richards et al. 2015 PMID: 25741868, with internal and published modifications).

NM_153240.5(NPHP3):c.520-8T>C

Genes: NPHP3 (nephrocystin 3; minus strand), NPHP3-ACAD11 (NPHP3-ACAD11 readthrough (NMD candidate); minus strand). Cytogenetic location: 3q22.1.
Variant type: single nucleotide variant.
Coding change: c.520-8T>C on transcript NM_153240.5 (MANE Select); 8 bases into the intron before coding-DNA position 520, T replaced by C.
Molecular consequence: intron variant.
Genome position (GRCh38, 1-based): chr3:132,719,152, A>G on the plus strand (T>C on the coding strand, the complement: NPHP3 is on the minus strand). VCF-style: chr3-132719152-A-G. GRCh37 (hg19) VCF-style: chr3-132437996-A-G.
Identifiers: ClinVar variation 4991451 (VCV004991451.1).